The following is an entry in ClinVar:

ClinVar aggregate classification (germline): Uncertain significance. Review status: criteria provided, multiple submitters, no conflicts (2 of 4 stars). 3 submissions from 3 submitters: Uncertain significance (3). Last evaluated 2023-08-13.

Conditions:
Hereditary cancer-predisposing syndrome. Also called: Hereditary Cancer Syndrome; Tumor predisposition; Hereditary neoplastic syndrome; Neoplastic Syndromes, Hereditary. Identifiers: Orphanet 140162, MedGen C0027672, MeSH D009386, MONDO:0015356.
Tuberous sclerosis 1 (TSC1). Identifiers: Orphanet 805, MedGen C1854465, MONDO:0008612, OMIM 191100.

Submissions (3):

Ambry Genetics
Classification: Uncertain significance for Hereditary cancer-predisposing syndrome. Last evaluated: 2023-08-13. Review status: criteria provided, single submitter. Criteria: Ambry Variant Classification Scheme 2023. Collection method: clinical testing. Allele origin: germline.
Comment: The p.I724T variant (also known as c.2171T>C), located in coding exon 15 of the TSC1 gene, results from a T to C substitution at nucleotide position 2171. The isoleucine at codon 724 is replaced by threonine, an amino acid with similar properties. This amino acid position is conserved. In addition, this alteration is predicted to be tolerated by in silico analysis. Since supporting evidence is limited at this time, the clinical significance of this alteration remains unclear.

Labcorp Genetics (formerly Invitae), Labcorp
Classification: Uncertain significance for Tuberous sclerosis 1. Last evaluated: 2023-06-05. Review status: criteria provided, single submitter. Criteria: Invitae Variant Classification Sherloc (09022015). Collection method: clinical testing. Allele origin: germline.
Comment: In summary, the available evidence is currently insufficient to determine the role of this variant in disease. Therefore, it has been classified as a Variant of Uncertain Significance. Advanced modeling of protein sequence and biophysical properties (such as structural, functional, and spatial information, amino acid conservation, physicochemical variation, residue mobility, and thermodynamic stability) performed at Invitae indicates that this missense variant is not expected to disrupt TSC1 protein function. ClinVar contains an entry for this variant (Variation ID: 207635). This variant has not been reported in the literature in individuals affected with TSC1-related conditions. This variant is not present in population databases (gnomAD no frequency). This sequence change replaces isoleucine, which is neutral and non-polar, with threonine, which is neutral and polar, at codon 724 of the TSC1 protein (p.Ile724Thr).

GeneDx
Classification: Uncertain significance. Last evaluated: 2014-12-17. Review status: criteria provided, single submitter. Criteria: GeneDx Variant Classification (06012015). Collection method: clinical testing. Allele origin: germline. Affected: yes.
Comment: p.Ile724Thr (ATC>ACC): c.2171 T>C in exon 17 of the TSC1 gene (NM_000368.4). The I724T variant has not been published as a mutation, nor has it been reported as a benign polymorphism to our knowledge. It was not observed in approximately 6,500 individuals of European and African American ancestry in the NHLBI Exome Sequencing Project, indicating it is not a common benign variant in these populations. The I724T variant is a non-conservative amino acid substitution, which is likely to impact secondary protein structure as these residues differ in polarity, charge, size and/or other properties. This substitution alters a conserved position predicted to be within the coiled-coil region of the TSC1 protein; however, Threonine has been observed at this position in a few species in evolution. Additionally, the vast majority of TSC1 mutations result in protein truncation, while missense mutations have been reported only rarely (Northrup et al., 2011; Au et al., 2007). In silico analysis is inconsistent in its predictions as to whether or not the variant is damaging to the protein structure/function. Therefore, based on the currently available information, it is unclear whether this variant is a pathogenic mutation or a rare benign variant. The variant is found in EPILEPSY panel(s).

NM_000368.5(TSC1):c.2171T>C (p.Ile724Thr)

Gene: TSC1 (TSC complex subunit 1; minus strand). Cytogenetic location: 9q34.13.
Variant type: single nucleotide variant.
Coding change: c.2171T>C on transcript NM_000368.5 (MANE Select); coding-DNA position 2171, T replaced by C.
Protein change: p.Ile724Thr; replaces isoleucine 724 with threonine.
Molecular consequence: missense variant.
Genome position (GRCh38, 1-based): chr9:132,903,688, A>G on the plus strand (T>C on the coding strand, the complement: TSC1 is on the minus strand). VCF-style: chr9-132903688-A-G. GRCh37 (hg19) VCF-style: chr9-135779075-A-G.
Other names: p.I724T:ATC>ACC; c.2168T>C, p.Ile723Thr (NM_001162426.2); c.2018T>C, p.Ile673Thr (NM_001162427.2); c.1808T>C, p.Ile603Thr (NM_001362177.2); short protein forms I724T, I723T, I603T, I673T.
Identifiers: ClinVar variation 207635 (VCV000207635.7), dbSNP rs796053459, ClinGen allele CA319301.